The following is an entry in ClinVar:

ClinVar aggregate classification (germline): Conflicting classifications of pathogenicity. Review status: criteria provided, conflicting classifications (1 of 4 stars). 10 submissions from 10 submitters: Uncertain significance (8); Likely benign (2). Last evaluated 2025-12-29.

Conditions:
Cardiovascular phenotype. Identifiers: MedGen CN230736.
TTN-related disorder. Also called: TTN-related condition; TTN-related disease; TTN-related disorders.
Dilated cardiomyopathy 1G (CMD1G). Identifiers: Orphanet 154, MedGen C1858763, MONDO:0011400, OMIM 604145.
Autosomal recessive limb-girdle muscular dystrophy type 2J (LGMDR10). Also called: Limb-girdle muscular dystrophy, type 2J; MUSCULAR DYSTROPHY, LIMB-GIRDLE, AUTOSOMAL RECESSIVE 10. Identifiers: Orphanet 140922, MedGen C1837342, MONDO:0012127, OMIM 608807.
Early-onset myopathy with fatal cardiomyopathy (CMYO5). Also called: Salih Myopathy; CONGENITAL MYOPATHY 5 WITH CARDIOMYOPATHY. Identifiers: Orphanet 289377, MedGen C2673677, MONDO:0012714, OMIM 611705. Disease mechanism: loss of function.
Hypertrophic cardiomyopathy 9. Also called: Familial hypertrophic cardiomyopathy 9. Identifiers: MedGen C1861065, MONDO:0013412, OMIM 613765.
Tibial muscular dystrophy (TMD). Also called: UDD MYOPATHY; Tibial muscular dystrophy, tardive; Udd Distal Myopathy – Tibial Muscular Dystrophy. Identifiers: Orphanet 609, MedGen C1838244, MONDO:0010870, OMIM 600334.
Myopathy, myofibrillar, 9, with early respiratory failure (MFM9). Also called: Hereditary myopathy with early respiratory failure; MYOPATHY, PROXIMAL, WITH EARLY RESPIRATORY MUSCLE INVOLVEMENT; Myopathy, distal, with early respiratory failure, autosomal dominant; EDSTROM MYOPATHY. Identifiers: Orphanet 178464, Orphanet 34521, MedGen C1863599, MONDO:0011362, OMIM 603689.
Cardiomyopathy (CMYO). Also called: Cardiomyopathies. Identifiers: Orphanet 167848, MedGen C0878544, MONDO:0004994, HP:0001638. Inheritance: Various modes of inheritance.

Allele frequency attached by ClinVar (database versions not stated): gnomAD 0.00009; gnomAD exomes 0.00009 and 0.00012; ExAC 0.00010; TOPMed 0.00014; ESP Exome Variant Server 0.00033.
gnomAD v4.1: 176 of 1,591,464 alleles (0.011%); highest among the groups gnomAD compares: Middle Eastern, 0.05%; no homozygotes.

Submissions (10):

PreventionGenetics, part of Exact Sciences
Classification: Uncertain significance for TTN-related condition. Last evaluated: 2025-12-29. Review status: criteria provided, single submitter. Criteria: ACMG Guidelines, 2015. Collection method: clinical testing. Allele origin: germline.
Comment: The TTN c.53903G>A variant is predicted to result in the amino acid substitution p.Arg17968His. This variant has been reported in an individual with left ventricular noncompaction cardiomyopathy (Table S2, Mazzarotto et al. 2021. PubMed ID: 33500567). This variant is reported in 0.027% of alleles in individuals of African descent in gnomAD. Although we suspect that this variant may be benign, at this time, the clinical significance of this variant is uncertain due to the absence of conclusive functional and genetic evidence.

Women's Health and Genetics/Laboratory Corporation of America, LabCorp
Classification: Uncertain significance. Last evaluated: 2025-11-10. Review status: criteria provided, single submitter. Criteria: LabCorp Variant Classification Summary - May 2015. Collection method: clinical testing. Allele origin: germline.
Comment: Variant summary: TTN c.46199G>A (p.Arg15400His) results in a non-conservative amino acid change in the encoded protein sequence. Algorithms developed to predict the effect of missense changes on protein structure and function are either unavailable or do not agree on the potential impact of this missense change. The variant allele was found at a frequency of 8.8e-05 in 228238 control chromosomes. This frequency is not significantly higher than estimated for disease-causing variants in TTN, allowing no conclusion about variant significance. c.46199G>A has been observed in at least one individual affected with left ventricular noncompaction, without strong evidence of causality (example: Mazzarotto_2021). This report does not provide unequivocal conclusions about association of the variant with Dilated Cardiomyopathy. To our knowledge, no experimental evidence demonstrating an impact on protein function has been reported. The following publication has been ascertained in the context of this evaluation (PMID: 33500567). ClinVar contains an entry for this variant (Variation ID: 165982). Based on the evidence outlined above, the variant was classified as uncertain significance.

Revvity Omics, Revvity
Classification: Uncertain significance. Last evaluated: 2022-09-15. Review status: criteria provided, single submitter. Criteria: ACMG Guidelines, 2015. Collection method: clinical testing. Allele origin: germline.

Fulgent Genetics
Classification: Uncertain significance for Tibial muscular dystrophy; Myopathy, myofibrillar, 9, with early respiratory failure; Dilated cardiomyopathy 1G; Autosomal recessive limb-girdle muscular dystrophy type 2J; Early-onset myopathy with fatal cardiomyopathy; Hypertrophic cardiomyopathy 9. Last evaluated: 2021-08-17. Review status: criteria provided, single submitter. Criteria: ACMG Guidelines, 2015. Collection method: clinical testing. Allele origin: unknown.

Blueprint Genetics
Classification: Likely benign. Last evaluated: 2021-05-11. Review status: criteria provided, single submitter. Criteria: ACMG Guidelines, 2015. Collection method: clinical testing. Allele origin: germline.

Ambry Genetics
Classification: Likely benign for Cardiovascular phenotype. Last evaluated: 2020-08-25. Review status: criteria provided, single submitter. Criteria: Ambry Variant Classification Scheme 2023. Collection method: clinical testing. Allele origin: germline.

CHEO Genetics Diagnostic Laboratory, Children's Hospital of Eastern Ontario
Classification: Uncertain significance for Cardiomyopathy. Last evaluated: 2020-01-20. Review status: criteria provided, single submitter. Criteria: ACMG Guidelines, 2015. Collection method: clinical testing. Allele origin: germline.

Labcorp Genetics (formerly Invitae), Labcorp
Classification: Uncertain significance for Dilated cardiomyopathy 1G; Autosomal recessive limb-girdle muscular dystrophy type 2J. Last evaluated: 2017-04-04. Review status: criteria provided, single submitter. Criteria: Invitae Variant Classification Sherloc (09022015). Collection method: clinical testing. Allele origin: germline.

Eurofins Ntd Llc (ga)
Classification: Uncertain significance. Last evaluated: 2017-01-20. Review status: criteria provided, single submitter. Criteria: EGL Classification Definitions 2015. Collection method: clinical testing. Allele origin: germline. Observed: 1 variant allele, 1 homozygote.

Laboratory for Molecular Medicine, Mass General Brigham Personalized Medicine
Classification: Uncertain significance. Last evaluated: 2013-04-20. Review status: criteria provided, single submitter. Criteria: LMM Criteria. Collection method: clinical testing. Allele origin: germline. Observed: 1 variant allele.
Comment: The Arg15400His variant in TTN has not been reported in individuals with cardiom yopathy, but has been identified in 3/8186 European American chromosomes by the NHLBI Exome Sequencing Project (dbSNP rs20010 0660). Computational analyses (biochemical amino acid properties, conservation, AlignGVGD, PolyPhen2, and SIFT) do not provide strong support for or against an impact to the protein. At this time, additional information is needed to fully a ssess the clinical significance of this variant.

Literature cited by the submitters: PubMed 33500567 (cited by Women's Health and Genetics/Laboratory Corporation of America, LabCorp).

NM_001267550.2(TTN):c.53903G>A (p.Arg17968His)

Genes: TTN (titin; minus strand), TTN-AS1 (TTN antisense RNA 1; plus strand). Cytogenetic location: 2q31.2.
Variant type: single nucleotide variant.
Coding change: c.53903G>A on transcript NM_001267550.2 (MANE Select); coding-DNA position 53903, G replaced by A.
Protein change: p.Arg17968His; replaces arginine 17968 with histidine.
Molecular consequence: missense variant. On other transcripts: non-coding transcript variant (1).
Genome position (GRCh38, 1-based): chr2:178,605,274, C>T on the plus strand (G>A on the coding strand, the complement: TTN is on the minus strand). VCF-style: chr2-178605274-C-T. GRCh37 (hg19) VCF-style: chr2-179470001-C-T.
Other names: c.48980G>A, p.Arg16327His (NM_001256850.1); c.26708G>A, p.Arg8903His (NM_003319.4); c.27083G>A, p.Arg9028His (NM_133432.3); c.27284G>A, p.Arg9095His (NM_133437.4); c.46199G>A, p.Arg15400His (NM_133378.4); short protein forms R15400H, R17968H, R9028H, R16327H, R9095H, R8903H.
Identifiers: ClinVar variation 165982 (VCV000165982.22), dbSNP rs200100660, ClinGen allele CA178750.
Genomic context (GRCh38, chr2:178,605,274, plus strand): 5'-GCAGGGATGTGGACAGGCTCTCCTGCCTTAACTTTGATAGTGTCTCCTCGAACACTCAGA[C>T]GCAACTTAATAGTTGGAGGCACTGCAAAGAGAAGAGAAAGAAAAACAGTAACAAAGTCAT-3'
Protein context (NP_001254479.2, residues 17958-17978): DDEVPPTIKL[Arg17968His]LSVRGDTIKV